The following is an entry in ClinVar:

ClinVar aggregate classification (germline): Conflicting classifications of pathogenicity. Review status: criteria provided, conflicting classifications (1 of 4 stars). 2 submissions from 2 submitters: Uncertain significance (1); Likely benign (1). Last evaluated 2024-07-23.

Allele frequency attached by ClinVar (database versions not stated): TOPMed 0.00003; ExAC 0.00005; gnomAD 0.00005; gnomAD exomes 0.00007.

Submissions (2):

Labcorp Genetics (formerly Invitae), Labcorp
Classification: Uncertain significance. Last evaluated: 2024-07-23. Review status: criteria provided, single submitter. Criteria: Invitae Variant Classification Sherloc (09022015). Collection method: clinical testing. Allele origin: germline.
Comment: This sequence change replaces alanine, which is neutral and non-polar, with valine, which is neutral and non-polar, at codon 161 of the GPR143 protein (p.Ala161Val). This variant is present in population databases (rs780953300, gnomAD 0.07%), and has an allele count higher than expected for a pathogenic variant. This missense change has been observed in individual(s) with albinism (PMID: 34838614). ClinVar contains an entry for this variant (Variation ID: 2413274). Advanced modeling of protein sequence and biophysical properties (such as structural, functional, and spatial information, amino acid conservation, physicochemical variation, residue mobility, and thermodynamic stability) performed at Invitae indicates that this missense variant is not expected to disrupt GPR143 protein function with a negative predictive value of 80%. In summary, the available evidence is currently insufficient to determine the role of this variant in disease. Therefore, it has been classified as a Variant of Uncertain Significance.

Blueprint Genetics
Classification: Likely benign. Last evaluated: 2023-12-28. Review status: criteria provided, single submitter. Criteria: ACMG Guidelines, 2015. Collection method: clinical testing. Allele origin: germline.

Literature cited by the submitters: PubMed 34838614 (cited by Labcorp Genetics (formerly Invitae), Labcorp).

NM_000273.3(GPR143):c.482C>T (p.Ala161Val)

Gene: GPR143 (G protein-coupled receptor 143; minus strand). Cytogenetic location: Xp22.2.
Variant type: single nucleotide variant.
Coding change: c.482C>T on transcript NM_000273.3 (MANE Select); coding-DNA position 482, C replaced by T.
Protein change: p.Ala161Val; replaces alanine 161 with valine.
Molecular consequence: missense variant.
Genome position (GRCh38, 1-based): chrX:9,748,640, G>A on the plus strand (C>T on the coding strand, the complement: GPR143 is on the minus strand). VCF-style: chrX-9748640-G-A. GRCh37 (hg19) VCF-style: chrX-9716680-G-A.
Other names: short protein forms A161V.
Identifiers: ClinVar variation 2413274 (VCV002413274.7), dbSNP rs780953300, ClinGen allele CA10345009.